The following is an entry in ClinVar:

NM_004646.4(NPHS1):c.1135_1136del (p.Arg379fs)

Gene: NPHS1 (NPHS1 adhesion molecule, nephrin; minus strand). Cytogenetic location: 19q13.12.
Variant type: Deletion.
Coding change: c.1135_1136del on transcript NM_004646.4 (MANE Select); coding-DNA positions 1135 to 1136, 2 bases deleted (CG; older notation c.1135_1136delCG).
Protein change: p.Arg379fs; shifts the reading frame from arginine 379.
Molecular consequence: frameshift variant.
Genome position (GRCh38, 1-based): chr19:35,848,671-35,848,672, CG deleted on the plus strand (CG on the coding strand, the reverse complement: NPHS1 is on the minus strand); deleting any 2 consecutive bases within chr19:35,848,671-35,848,673 gives the same sequence; the c. name uses the placement nearest the transcript's 3' end. VCF-style (leftmost placement, unchanged base first): chr19-35848670-CCG-C. GRCh37 (hg19) VCF-style: chr19-36339572-CCG-C.
Other names: c.1135_1136delCG (NM_004646.3); short protein forms R379fs.
Identifiers: ClinVar variation 56428 (VCV000056428.2), dbSNP rs386833870, ClinGen allele CA250103.

ClinVar aggregate classification (germline): Likely pathogenic (0 of 4 stars; one submission).

Conditions:
Finnish congenital nephrotic syndrome (NPHS1). Also called: NEPHROTIC SYNDROME, TYPE 1. Identifiers: Orphanet 839, MedGen C0403399, MONDO:0009732, OMIM 256300.

Submission:

Juha Muilu Group; Institute for Molecular Medicine Finland (FIMM)
Classification: Likely pathogenic for Finnish congenital nephrotic syndrome. Review status: no assertion criteria provided. Collection method: not provided. Allele origin: unknown.
Comment: FinDis database variant: FinDis database variant: This variant was not found or characterized by our laboratory, data were collected from public sources: see reference
ClinVar note: Converted during submission from probable-pathogenic to Likely pathogenic.